The following is an entry in ClinVar:

NM_006218.4(PIK3CA):c.311C>T (p.Pro104Leu)

Gene: PIK3CA (phosphatidylinositol-4,5-bisphosphate 3-kinase catalytic subunit alpha; plus strand). Cytogenetic location: 3q26.32.
Variant type: single nucleotide variant.
Coding change: c.311C>T on transcript NM_006218.4 (MANE Select); coding-DNA position 311, C replaced by T.
Protein change: p.Pro104Leu; replaces proline 104 with leucine.
Molecular consequence: missense variant.
Genome position (GRCh38, 1-based): chr3:179,199,136, C>T. VCF-style: chr3-179199136-C-T. GRCh37 (hg19) VCF-style: chr3-178916924-C-T.
Other names: c.311C>T (NM_006218.3); short protein forms P104L.
Identifiers: ClinVar variation 217291 (VCV000217291.18), dbSNP rs863225060, ClinGen allele CA279138.

ClinVar aggregate classification (germline): Pathogenic/Likely pathogenic. Review status: criteria provided, multiple submitters, no conflicts (2 of 4 stars). 5 submissions from 5 submitters: Pathogenic (3); Likely pathogenic (1). 1 of the submissions does not count toward it. Last evaluated 2025-05-05.
ClinVar aggregate classification (somatic clinical impact): Tier I - Strong (1 of 4 stars; one submission).

Conditions:
Cowden syndrome (CS). Also called: Cowden's disease; Cowden's syndrome; Cowden disease. Identifiers: Orphanet 201, MedGen C0018553, MONDO:0016063. Disease mechanism: gain of function.
PIK3CA-related disorder. Also called: PIK3CA-related condition; PIK3CA- related disease; PIK3CA-related disorders.
PIK3CA related overgrowth syndrome. Also called: PIK3CA-Related Segmental Overgrowth; PIK3CA related overgrowth spectrum. Identifiers: Orphanet 530313, MedGen C4728213, MONDO:1040002.
Vascular malformation. Also called: Vascular malformations. Identifiers: MedGen C0158570, MONDO:0024291.

Submissions (6):

PreventionGenetics, part of Exact Sciences
Classification: Pathogenic for PIK3CA-related condition. Last evaluated: 2025-05-05. Review status: criteria provided, single submitter. Criteria: ACMG Guidelines, 2015. Collection method: clinical testing. Allele origin: germline.
Comment: The PIK3CA c.311C>T variant is predicted to result in the amino acid substitution p.Pro104Leu. This variant has been reported with de novo occurrence in two individuals with megalencephaly-capillary malformation (MCAP) syndrome; one was mosaic the other apparently constitutional (Mirzaa et al 2016. PubMed ID: 27631024). It has also been reported as a mosaic variant in skin tested from individuals with CLOVES and MCAP (Table S1, Kuentz et al. 2017. PubMed ID: 28151489). Of note, in one case the variant as not seen in a blood sample and in the other it was seen at a mutant allele fraction of 2.5%. This variant has not been reported in a large population database, indicating it is rare. This variant is interpreted as pathogenic.

GeneDx
Classification: Pathogenic. Last evaluated: 2025-04-11. Review status: criteria provided, single submitter. Criteria: GeneDx Variant Classification Process June 2021. Collection method: clinical testing. Allele origin: germline. Affected: yes.
Comment: Not observed at significant frequency in large population cohorts (gnomAD); In silico analysis supports that this missense variant has a deleterious effect on protein structure/function; This variant is associated with the following publications: (PMID: 27631024, 37624421, 35740480, 34072735, 34385668, 34112235, 36284525, 37486637, 28151489)

Institute for Genomic Medicine (IGM) Clinical Laboratory, Nationwide Children's Hospital
Classification: Tier I - Strong for Vascular malformation. Assertion type: diagnostic. Clinical significance: supports diagnosis. Last evaluated: 2024-06-27. Review status: criteria provided, single submitter. Criteria: AMP/ASCO/CAP Guidelines, 2017. Collection method: clinical testing. Allele origin: somatic. Affected: yes.
Comment: Variant has Tier I (strong) clinical significance as a diagnostic inclusion criterion in vascular malformation, based on the following evidence: 1) Documented in one or more cancer databases (e.g., St. Jude Pecan, COSMIC, CIViC, OncoKB). 2) Appears in one or more well-established professional guidelines (e.g., World Health Organization [WHO]; National Comprehensive Cancer Network [NCCN]) as providing diagnostic, prognostic, or therapeutic information. 3) Diagnostic for a specific tumor type/classification according to professional guidelines (Evidence Level A; PMIDs: 25681199, 29217067, 25292196, 31536475, 28151489, 27631024).

Labcorp Genetics (formerly Invitae), Labcorp
Classification: Likely pathogenic for Cowden syndrome. Last evaluated: 2023-11-10. Review status: criteria provided, single submitter. Criteria: Invitae Variant Classification Sherloc (09022015). Collection method: clinical testing. Allele origin: germline.
Comment: This sequence change replaces proline, which is neutral and non-polar, with leucine, which is neutral and non-polar, at codon 104 of the PIK3CA protein (p.Pro104Leu). This variant is not present in population databases (gnomAD no frequency). This missense change has been observed in individuals with PIK3CA-related overgrowth syndrome (PMID: 27631024, 28151489). ClinVar contains an entry for this variant (Variation ID: 217291). Advanced modeling of protein sequence and biophysical properties (such as structural, functional, and spatial information, amino acid conservation, physicochemical variation, residue mobility, and thermodynamic stability) has been performed at Invitae for this missense variant, however the output from this modeling did not meet the statistical confidence thresholds required to predict the impact of this variant on PIK3CA protein function. In summary, the currently available evidence indicates that the variant is pathogenic, but additional data are needed to prove that conclusively. Therefore, this variant has been classified as Likely Pathogenic.

Seattle Children's Hospital Molecular Genetics Laboratory, Seattle Children's Hospital
Classification: Pathogenic. Last evaluated: 2020-10-09. Review status: criteria provided, single submitter. Criteria: ACMG Guidelines, 2015. Collection method: clinical testing. Allele origin: somatic. Affected: yes.
Comment: The p.Pro104Leu variant has previously been reported as pathogenic in multiple unrelated individuals with PROS syndrome (PMID: 27631024, PMID: 28151489). Clinical details have included megalencephaly, hemimegalencephaly, and MCAP (megalencephaly-capillary malformation syndrome). Further supporting pathogenicity, the p.Pro104Leu as well as different missense variants at the same position (p.Pro104Arg, p.Pro104Thr) have been reported as oncogenic variants in multiple tumor types (COSMIC and cBioPortal Databases). This variant has not been observed in large population studies (Genome Aggregation Database v2.1.1).

Clinical Genomics Laboratory, Washington University in St. Louis
Classification: Likely pathogenic for PIK3CA Related Overgrowth Spectrum. Last evaluated: 2013-12-31. Review status: no assertion criteria provided. Collection method: clinical testing. Allele origin: somatic. Affected: yes. Not counted in ClinVar's aggregate classification.

Literature cited by the submitters: PubMed 25681199 (cited by Institute for Genomic Medicine (IGM) Clinical Laboratory, Nationwide Children's Hospital); PubMed 29217067 (cited by Institute for Genomic Medicine (IGM) Clinical Laboratory, Nationwide Children's Hospital); PubMed 25292196 (cited by Institute for Genomic Medicine (IGM) Clinical Laboratory, Nationwide Children's Hospital); PubMed 31536475 (cited by Institute for Genomic Medicine (IGM) Clinical Laboratory, Nationwide Children's Hospital); PubMed 28151489 (cited by Institute for Genomic Medicine (IGM) Clinical Laboratory, Nationwide Children's Hospital and Labcorp Genetics (formerly Invitae), Labcorp); PubMed 27631024 (cited by Institute for Genomic Medicine (IGM) Clinical Laboratory, Nationwide Children's Hospital and Labcorp Genetics (formerly Invitae), Labcorp).